The following is an entry in ClinVar:

ClinVar aggregate classification (germline): Pathogenic (1 of 4 stars; one submission).

Submission:

GeneDx
Classification: Pathogenic. Last evaluated: 2015-03-16. Review status: criteria provided, single submitter. Criteria: GeneDx Variant Classification (06012015). Collection method: clinical testing. Allele origin: germline. Affected: yes.
Comment: The normal sequence with the bases that are deleted in braces is: CCGC{del41}CGAG. The c.511_551del41 variant in the MYCN gene causes a frameshift starting with codon Alanine 171, changes this amino acid to a Arginine residue and creates a premature Stop codon at position 81 of the new reading frame, denoted p.Ala171ArgfsX81. This variant is predicted to cause loss of normal protein function through protein truncation as the last 294 amino acids are replaced with 80 aberrant amino acids.

NM_005378.6(MYCN):c.511_551del (p.Ala171fs)

Gene: MYCN (MYCN proto-oncogene, bHLH transcription factor; plus strand). Cytogenetic location: 2p24.3.
Variant type: Deletion.
Coding change: c.511_551del on transcript NM_005378.6 (MANE Select); coding-DNA positions 511 to 551, 41 bases deleted.
Protein change: p.Ala171fs; shifts the reading frame from alanine 171.
Molecular consequence: frameshift variant. On other transcripts: 3 prime UTR variant (1), intron variant (1).
Genome position (GRCh38, 1-based): chr2:15,942,575-15,942,615, 41 bases deleted; deleting any 41 consecutive bases within chr2:15,942,567-15,942,615 gives the same sequence; the c. name uses the placement nearest the transcript's 3' end. GRCh37 (hg19): chr2:16,082,697-16,082,737.
Other names: c.511_551del, p.Ala171fs (NM_001293228.2); c.*446_*486del (NM_001293233.2); c.157+1832_157+1872del (NM_001293231.2); short protein forms A171fs.
Identifiers: ClinVar variation 265250 (VCV000265250.2), dbSNP rs886039427, ClinGen allele CA10588312.